The following is an entry in ClinVar:

ClinVar aggregate classification (germline): Uncertain significance (1 of 4 stars; one submission).

Conditions:
Inborn genetic diseases. Identifiers: MedGen C0950123, MeSH D030342.

Submission:

Ambry Genetics
Classification: Uncertain significance for Inborn genetic diseases. Last evaluated: 2026-02-28. Review status: criteria provided, single submitter. Criteria: Ambry Variant Classification Scheme 2023. Collection method: clinical testing. Allele origin: germline.
Comment: The p.S979G variant (also known as c.2935A>G), located in coding exon 24 of the ANKRD26 gene, results from an A to G substitution at nucleotide position 2935. The serine at codon 979 is replaced by glycine, an amino acid with similar properties. This amino acid position is conserved. In addition, this alteration is predicted to be tolerated by in silico analysis. Based on the available evidence, the clinical significance of this variant remains unclear.

NM_014915.3(ANKRD26):c.2935A>G (p.Ser979Gly)

Gene: ANKRD26 (ankyrin repeat domain 26; minus strand). Cytogenetic location: 10p12.1.
Variant type: single nucleotide variant.
Coding change: c.2935A>G on transcript NM_014915.3 (MANE Select); coding-DNA position 2935, A replaced by G.
Protein change: p.Ser979Gly; replaces serine 979 with glycine.
Molecular consequence: missense variant.
Genome position (GRCh38, 1-based): chr10:27,035,515, T>C on the plus strand (A>G on the coding strand, the complement: ANKRD26 is on the minus strand). VCF-style: chr10-27035515-T-C. GRCh37 (hg19) VCF-style: chr10-27324444-T-C.
Other names: c.2932A>G, p.Ser978Gly (NM_001256053.2); short protein forms S979G, S978G.
Identifiers: ClinVar variation 4826407 (VCV004826407.1).
Genomic context (GRCh38, chr10:27,035,515, plus strand): 5'-TGCTTTGCTTTTCATTCTCCAGTTTAGAATTTAGCATTGCATTCTCAGCTGTCAGAACAC[T>C]AAGCCGTCCATTATACTGGGATATTGTTTGTGTTAATGTTTCCTCATTCTGTTTTATAGT-3'
Protein context (NP_055730.2, residues 969-989): QTISQYNGRL[Ser979Gly]VLTAENAMLN